The following is an entry in ClinVar:

NM_006947.4(SRP72):c.41T>C (p.Leu14Pro)

Gene: SRP72 (signal recognition particle 72; plus strand). Cytogenetic location: 4q12.
Variant type: single nucleotide variant.
Coding change: c.41T>C on transcript NM_006947.4 (MANE Select); coding-DNA position 41, T replaced by C.
Protein change: p.Leu14Pro; replaces leucine 14 with proline.
Molecular consequence: missense variant. On other transcripts: non-coding transcript variant (1).
Genome position (GRCh38, 1-based): chr4:56,467,676, T>C. VCF-style: chr4-56467676-T-C. GRCh37 (hg19) VCF-style: chr4-57333842-T-C.
Other names: c.41T>C (NM_006947.3); c.41T>C, p.Leu14Pro (NM_001267722.2); short protein forms L14P.
Identifiers: ClinVar variation 3018979 (VCV003018979.4), dbSNP rs1303603626, ClinGen allele CA356995568.

ClinVar aggregate classification (germline): Uncertain significance. Review status: criteria provided, multiple submitters, no conflicts (2 of 4 stars). 2 submissions from 2 submitters: Uncertain significance (2). Last evaluated 2025-12-08.

Allele frequency attached by ClinVar (database versions not stated): gnomAD exomes below 0.00001; TOPMed below 0.00001; gnomAD 0.00001.

Submissions (2):

Labcorp Genetics (formerly Invitae), Labcorp
Classification: Uncertain significance. Last evaluated: 2025-12-08. Review status: criteria provided, single submitter. Criteria: Invitae Variant Classification Sherloc (09022015). Collection method: clinical testing. Allele origin: germline.
Comment: This sequence change replaces leucine, which is neutral and non-polar, with proline, which is neutral and non-polar, at codon 14 of the SRP72 protein (p.Leu14Pro). This variant is present in population databases (no rsID available, gnomAD 0.06%). This variant has not been reported in the literature in individuals affected with SRP72-related conditions. ClinVar contains an entry for this variant (Variation ID: 3018979). Invitae Evidence Modeling of protein sequence and biophysical properties (such as structural, functional, and spatial information, amino acid conservation, physicochemical variation, residue mobility, and thermodynamic stability) indicates that this missense variant is expected to disrupt SRP72 protein function with a positive predictive value of 80%. In summary, the available evidence is currently insufficient to determine the role of this variant in disease. Therefore, it has been classified as a Variant of Uncertain Significance.

Ambry Genetics
Classification: Uncertain significance. Last evaluated: 2025-02-03. Review status: criteria provided, single submitter. Criteria: Ambry Variant Classification Scheme 2023. Collection method: clinical testing. Allele origin: germline.
Comment: The p.L14P variant (also known as c.41T>C), located in coding exon 1 of the SRP72 gene, results from a T to C substitution at nucleotide position 41. The leucine at codon 14 is replaced by proline, an amino acid with similar properties. This amino acid position is conserved. In addition, this alteration is predicted to be deleterious by in silico analysis. Based on the available evidence, the clinical significance of this variant remains unclear.